The following is an entry in ClinVar:

ClinVar aggregate classification (germline): Pathogenic (1 of 4 stars; one submission).

Conditions:
Neurodevelopmental disorder with hypotonia, stereotypic hand movements, and impaired language. Also called: Intellectual disability, autosomal dominant 20. Identifiers: Orphanet 228384, Orphanet 664410, MedGen C3150700, MONDO:0013266, OMIM 613443.

Submission:

Victorian Clinical Genetics Services, Murdoch Childrens Research Institute
Classification: Pathogenic for Neurodevelopmental disorder with hypotonia, stereotypic hand movements, and impaired language. Last evaluated: 2020-06-11. Review status: criteria provided, single submitter. Criteria: ACMG Guidelines, 2015. Collection method: clinical testing. Allele origin: germline. Inheritance: Autosomal dominant inheritance. Affected: yes.
Comment: Based on the classification scheme VCGS_Germline_v1.1.1, this variant is classified as Pathogenic. Following criteria are met: 0102 - Loss-of-function is a known mechanism of disease for this gene. (N) 0107 - This gene is known to be associated with autosomal dominant disease. (N) 0201 - Variant is predicted to cause nonsense-mediated decay (NMD) and loss of protein (exon 9 of 11). (P) 0251 - Variant is heterozygous. (N) 0301 - Variant is absent from gnomAD. (P) 0701 - Comparable variants have very strong previous evidence for pathogenicity (ClinVar). (P) 0807 - Variant has not previously been reported in a clinical context. (N) 0905 - No segregation evidence has been identified for this variant. (N) 1007 - No published functional evidence has been identified for this variant. (N) 1207 - Parental origin of the variant is unresolved. (N) Legend: (P) - Pathogenic, (N) - Neutral, (B) - Benign

NM_002397.5(MEF2C):c.939_940del (p.Ala314fs)

Gene: MEF2C (myocyte enhancer factor 2C; minus strand). Cytogenetic location: 5q14.3.
Variant type: Deletion.
Coding change: c.939_940del on transcript NM_002397.5 (MANE Select); coding-DNA positions 939 to 940, 2 bases deleted (AG; older notation c.939_940delAG).
Protein change: p.Ala314fs; shifts the reading frame from alanine 314.
Molecular consequence: frameshift variant.
Genome position (GRCh38, 1-based): chr5:88,729,242-88,729,243, CT deleted on the plus strand (AG on the coding strand, the reverse complement: MEF2C is on the minus strand). VCF-style (leftmost placement, unchanged base first): chr5-88729241-GCT-G. GRCh37 (hg19) VCF-style: chr5-88025058-GCT-G.
Other names: c.915_916del, p.Ala306fs (NM_001364342.2, NM_001364348.2, NM_001364349.2 and 6 more transcripts); c.909_910del, p.Ala304fs (NM_001364343.2, NM_001364352.2, NM_001131005.2); c.795_796del, p.Ala266fs (NM_001364344.2, NM_001193349.3, NM_001364332.2 and 2 more transcripts); c.939_940del, p.Ala314fs (NM_001364345.2, NM_001364346.2, NM_001364347.2 and 9 more transcripts); c.909_910delAG (NM_001131005.2); c.969_970del, p.Ala324fs (NM_001193347.1, NM_001364338.2); c.771_772del, p.Ala258fs (NM_001193348.1); c.561_562del, p.Ala188fs (NM_001364353.2, NM_001364356.2); and 1 more; short protein forms A164fs, A188fs, A258fs, A266fs, A304fs, A306fs, A314fs, A324fs.
Identifiers: ClinVar variation 1805734 (VCV001805734.1), dbSNP rs2546971435, ClinGen allele CA923726215.